The following is an entry in ClinVar:

ClinVar aggregate classification (germline): Conflicting classifications of pathogenicity. Review status: criteria provided, conflicting classifications (1 of 4 stars). 6 submissions from 6 submitters: Uncertain significance (1); Benign (1); Likely benign (3). 1 of the submissions does not count toward it. Last evaluated 2026-01-19.

Conditions:
Tuberous sclerosis syndrome (TSC). Also called: Tuberous Sclerosis Complex; Tuberous sclerosis. Identifiers: Orphanet 805, MedGen C0041341, MONDO:0001734.
Hereditary cancer-predisposing syndrome. Also called: Neoplastic Syndromes, Hereditary; Tumor predisposition; Hereditary Cancer Syndrome; Hereditary neoplastic syndrome. Identifiers: Orphanet 140162, MedGen C0027672, MeSH D009386, MONDO:0015356.
Tuberous sclerosis 2 (TSC2). Identifiers: Orphanet 805, MedGen C1860707, MONDO:0013199, OMIM 613254.

Allele frequency attached by ClinVar (database versions not stated): gnomAD exomes 0.00002; TOPMed 0.00002; gnomAD 0.00003.
gnomAD v4.1: 33 of 1,614,092 alleles (0.002%); highest among the groups gnomAD compares: Non-Finnish European, 0.0024%; no homozygotes.

Submissions (6):

Labcorp Genetics (formerly Invitae), Labcorp
Classification: Likely benign for Tuberous sclerosis 2. Last evaluated: 2026-01-19. Review status: criteria provided, single submitter. Criteria: Invitae Variant Classification Sherloc (09022015). Collection method: clinical testing. Allele origin: germline.

Color Diagnostics, LLC DBA Color Health
Classification: Uncertain significance for Tuberous sclerosis syndrome. Last evaluated: 2024-03-04. Review status: criteria provided, single submitter. Criteria: ACMG Guidelines, 2015. Collection method: clinical testing. Allele origin: germline.
Comment: This missense variant replaces serine with cysteine at codon 132 of the TSC2 protein. Computational prediction suggests that this variant may not impact protein structure and function. Functional studies demonstrated no effect on TSC1 or TSC2 protein abundance, or on TSC1-TSC2 dependent inhibition of mTORC1 activity (PMID: 18302728, 21309039). This variant has been reported in individuals affected with tuberous sclerosis complex (PMID: 18302728). This variant has not been identified in the general population by the Genome Aggregation Database (gnomAD). The available evidence is insufficient to determine the role of this variant in disease conclusively. Therefore, this variant is classified as a Variant of Uncertain Significance.

Genome-Nilou Lab
Classification: Benign for Tuberous sclerosis 2. Last evaluated: 2021-11-07. Review status: criteria provided, single submitter. Criteria: ACMG Guidelines, 2015. Collection method: clinical testing. Allele origin: germline. Affected: no.

Ambry Genetics
Classification: Likely benign for Hereditary cancer-predisposing syndrome. Last evaluated: 2020-06-09. Review status: criteria provided, single submitter. Criteria: Ambry Variant Classification Scheme 2023. Collection method: clinical testing. Allele origin: germline.

GeneDx
Classification: Likely benign. Last evaluated: 2015-08-03. Review status: criteria provided, single submitter. Criteria: GeneDx Variant Classification (06012015). Collection method: clinical testing. Allele origin: germline. Affected: yes.
Comment: This variant is considered likely benign or benign based on one or more of the following criteria: it is a conservative change, it occurs at a poorly conserved position in the protein, it is predicted to be benign by multiple in silico algorithms, and/or has population frequency not consistent with disease.

Tuberous sclerosis database (TSC2)
No classification provided. Condition: TSC. Review status: no classification provided. Criteria: Tuberous Sclerosis Database Assertion Criteria 2015. Collection method: curation. Allele origin: germline. Affected: yes. Not counted in ClinVar's aggregate classification.

Literature cited by the submitters: PubMed 18302728 (cited by Color Diagnostics, LLC DBA Color Health and Ambry Genetics); PubMed 21309039 (cited by Color Diagnostics, LLC DBA Color Health and Ambry Genetics); PubMed 26580448 (cited by Ambry Genetics).

NM_000548.5(TSC2):c.395C>G (p.Ser132Cys)

Gene: TSC2 (TSC complex subunit 2; plus strand). Cytogenetic location: 16p13.3.
Variant type: single nucleotide variant.
Coding change: c.395C>G on transcript NM_000548.5 (MANE Select); coding-DNA position 395, C replaced by G.
Protein change: p.Ser132Cys; replaces serine 132 with cysteine.
Molecular consequence: missense variant. On other transcripts: intron variant (1).
Genome position (GRCh38, 1-based): chr16:2,054,354, C>G. VCF-style: chr16-2054354-C-G. GRCh37 (hg19) VCF-style: chr16-2104355-C-G.
Other names: c.395C>G, p.Ser132Cys (NM_001077183.3, NM_001114382.3, NM_001363528.2 and 3 more transcripts); c.284C>G, p.Ser95Cys (NM_001318827.2); c.248C>G, p.Ser83Cys (NM_001318829.2); c.428C>G, p.Ser143Cys (NM_001318832.2); c.-1-1842C>G (NM_001318831.2); short protein forms S132C, S143C, S95C, S83C.
Identifiers: ClinVar variation 50034 (VCV000050034.14), dbSNP rs137854391, ClinGen allele CA019748.